The following is an entry in ClinVar:

NM_032776.3(JMJD1C):c.3419_3424del (p.Ile1140_Ser1142delinsThr)

Gene: JMJD1C (jumonji domain containing 1C; minus strand). Cytogenetic location: 10q21.3.
Variant type: Deletion.
Coding change: c.3419_3424del on transcript NM_032776.3 (MANE Select); coding-DNA positions 3419 to 3424, 6 bases deleted (TAACAT; older notation c.3419_3424delTAACAT).
Protein change: p.Ile1140_Ser1142delinsThr.
Molecular consequence: inframe indel. On other transcripts: non-coding transcript variant (1).
Genome position (GRCh38, 1-based): chr10:63,208,245-63,208,250, ATGTTA deleted on the plus strand (TAACAT on the coding strand, the reverse complement: JMJD1C is on the minus strand). VCF-style (leftmost placement, unchanged base first): chr10-63208244-GATGTTA-G. GRCh37 (hg19) VCF-style: chr10-64968004-GATGTTA-G.
Other names: c.2873_2878del, p.Ile958_Ser960delinsThr (NM_001282948.2, NM_001318154.2); c.2555_2560del, p.Ile852_Ser854delinsThr (NM_001318153.2); c.3305_3310del, p.Ile1102_Ser1104delinsThr (NM_001322252.2); c.2762_2767del, p.Ile921_Ser923delinsThr (NM_001322254.2, NM_001322258.2).
Identifiers: ClinVar variation 2785043 (VCV002785043.3), dbSNP rs1407179609, ClinGen allele CA594255172.

ClinVar aggregate classification (germline): Uncertain significance (1 of 4 stars; one submission).

Conditions:
Early Myoclonic Encephalopathy. Identifiers: MedGen C0270855.

Allele frequency attached by ClinVar (database versions not stated): TOPMed below 0.00001; gnomAD exomes 0.00001.

Submission:

Labcorp Genetics (formerly Invitae), Labcorp
Classification: Uncertain significance for Early Myoclonic Encephalopathy. Last evaluated: 2024-10-23. Review status: criteria provided, single submitter. Criteria: Invitae Variant Classification Sherloc (09022015). Collection method: clinical testing. Allele origin: germline.
Comment: This variant, c.3419_3424del, is a complex sequence change that results in the deletion of 3 and insertion of 1 amino acid(s) in the JMJD1C protein (p.Ile1140_Ser1142delinsThr). This variant is present in population databases (no rsID available, gnomAD 0.003%). This variant has not been reported in the literature in individuals affected with JMJD1C-related conditions. Experimental studies and prediction algorithms are not available or were not evaluated, and the functional significance of this variant is currently unknown. In summary, the available evidence is currently insufficient to determine the role of this variant in disease. Therefore, it has been classified as a Variant of Uncertain Significance.